The following is an entry in ClinVar:

NM_170606.3(KMT2C):c.14463C>G (p.Asn4821Lys)

Gene: KMT2C (lysine methyltransferase 2C; minus strand). Cytogenetic location: 7q36.1.
Variant type: single nucleotide variant.
Coding change: c.14463C>G on transcript NM_170606.3 (MANE Select); coding-DNA position 14463, C replaced by G.
Protein change: p.Asn4821Lys; replaces asparagine 4821 with lysine.
Molecular consequence: missense variant.
Genome position (GRCh38, 1-based): chr7:152,139,257, G>C on the plus strand (C>G on the coding strand, the complement: KMT2C is on the minus strand). VCF-style: chr7-152139257-G-C. GRCh37 (hg19) VCF-style: chr7-151836342-G-C.
Other names: short protein forms N4821K.
Identifiers: ClinVar variation 4532680 (VCV004532680.1).
Genomic context (GRCh38, chr7:152,139,257, plus strand): 5'-TCCTGTGAGCGTCGCGTCAATCACATGGTCGTTATCCATGCGGAACATGTACACACCACG[G>C]TTCTGAGGGAAAAGTCAGTCAGTAAGTCATCAATGTCGACCTGAAACTCCCCTCTGTGTT-3'
Protein context (NP_733751.2, residues 4811-4831): NRKEKLYESQ[Asn4821Lys]RGVYMFRMDN

ClinVar aggregate classification (germline): Uncertain significance (1 of 4 stars; one submission).

gnomAD v4.1: 1 of 1,613,294 alleles (0.000062%); highest among the groups gnomAD compares: Non-Finnish European, 0.000085%; no homozygotes.

Submission:

GeneDx
Classification: Uncertain significance. Last evaluated: 2025-05-28. Review status: criteria provided, single submitter. Criteria: GeneDx Variant Classification Process June 2021. Collection method: clinical testing. Allele origin: germline. Affected: yes.
Comment: Not observed at significant frequency in large population cohorts (gnomAD); In silico analysis supports that this missense variant has a deleterious effect on protein structure/function; In silico analysis supports that this missense variant has a deleterious effect on splicing; Has not been previously published as pathogenic or benign to our knowledge